The following is an entry in ClinVar:

ClinVar aggregate classification (germline): Uncertain significance. Review status: criteria provided, multiple submitters, no conflicts (2 of 4 stars). 2 submissions from 2 submitters: Uncertain significance (2). Last evaluated 2023-10-17.

Conditions:
Inborn genetic diseases. Identifiers: MedGen C0950123, MeSH D030342.

gnomAD v4.1: 1 of 1,206,178 alleles (0.000083%); no homozygotes.

Submissions (2):

Labcorp Genetics (formerly Invitae), Labcorp
Classification: Uncertain significance. Last evaluated: 2023-10-17. Review status: criteria provided, single submitter. Criteria: Invitae Variant Classification Sherloc (09022015). Collection method: clinical testing. Allele origin: germline.
Comment: This sequence change replaces valine, which is neutral and non-polar, with leucine, which is neutral and non-polar, at codon 160 of the CLCN5 protein (p.Val160Leu). This variant is not present in population databases (gnomAD no frequency). This variant has not been reported in the literature in individuals affected with CLCN5-related conditions. ClinVar contains an entry for this variant (Variation ID: 2298383). An algorithm developed to predict the effect of missense changes on protein structure and function (PolyPhen-2) suggests that this variant is likely to be tolerated. In summary, the available evidence is currently insufficient to determine the role of this variant in disease. Therefore, it has been classified as a Variant of Uncertain Significance.

Ambry Genetics
Classification: Uncertain significance for Inborn genetic diseases. Last evaluated: 2022-06-28. Review status: criteria provided, single submitter. Criteria: Ambry Variant Classification Scheme 2023. Collection method: clinical testing. Allele origin: germline.

NM_001127898.4(CLCN5):c.688G>C (p.Val230Leu)

Gene: CLCN5 (chloride voltage-gated channel 5; plus strand). Cytogenetic location: Xp11.23.
Variant type: single nucleotide variant.
Coding change: c.688G>C on transcript NM_001127898.4 (MANE Select); coding-DNA position 688, G replaced by C.
Protein change: p.Val230Leu; replaces valine 230 with leucine.
Molecular consequence: missense variant.
Genome position (GRCh38, 1-based): chrX:50,080,678, G>C. VCF-style: chrX-50080678-G-C. GRCh37 (hg19) VCF-style: chrX-49845335-G-C.
Other names: c.478G>C, p.Val160Leu (NM_000084.5); c.688G>C, p.Val230Leu (NM_001127899.4); c.538G>C, p.Val180Leu (NM_001282163.2); short protein forms V180L, V160L, V230L.
Identifiers: ClinVar variation 2298383 (VCV002298383.5), dbSNP rs2519419580, ClinGen allele CA413183836.